The following is an entry in ClinVar:

NM_001042492.3(NF1):c.419G>A (p.Gly140Glu)

Gene: NF1 (neurofibromin 1; plus strand). Cytogenetic location: 17q11.2.
Variant type: single nucleotide variant.
Coding change: c.419G>A on transcript NM_001042492.3 (MANE Select); coding-DNA position 419, G replaced by A.
Protein change: p.Gly140Glu; replaces glycine 140 with glutamic acid.
Molecular consequence: missense variant.
Genome position (GRCh38, 1-based): chr17:31,163,316, G>A. VCF-style: chr17-31163316-G-A. GRCh37 (hg19) VCF-style: chr17-29490334-G-A.
Other names: c.419G>A, p.Gly140Glu (NM_000267.4, NM_001128147.3); short protein forms G140E.
Identifiers: ClinVar variation 3021477 (VCV003021477.3), dbSNP rs2143672877, ClinGen allele CA398981910.

ClinVar aggregate classification (germline): Uncertain significance (1 of 4 stars; one submission).

Conditions:
Neurofibromatosis, type 1 (NF1). Also called: Neurofibromatosis, type I; NEUROFIBROMATOSIS, TYPE I, SOMATIC; VON RECKLINGHAUSEN DISEASE; Peripheral type neurofibromatosis. Identifiers: Orphanet 636, MedGen C0027831, MONDO:0018975, OMIM 162200. Disease mechanism: loss of function.

Submission:

Labcorp Genetics (formerly Invitae), Labcorp
Classification: Uncertain significance for Neurofibromatosis, type 1. Last evaluated: 2023-09-10. Review status: criteria provided, single submitter. Criteria: Invitae Variant Classification Sherloc (09022015). Collection method: clinical testing. Allele origin: germline.
Comment: This sequence change replaces glycine, which is neutral and non-polar, with glutamic acid, which is acidic and polar, at codon 140 of the NF1 protein (p.Gly140Glu). This variant is not present in population databases (gnomAD no frequency). This variant has not been reported in the literature in individuals affected with NF1-related conditions. Advanced modeling of protein sequence and biophysical properties (such as structural, functional, and spatial information, amino acid conservation, physicochemical variation, residue mobility, and thermodynamic stability) has been performed at Invitae for this missense variant, however the output from this modeling did not meet the statistical confidence thresholds required to predict the impact of this variant on NF1 protein function. In summary, the available evidence is currently insufficient to determine the role of this variant in disease. Therefore, it has been classified as a Variant of Uncertain Significance.